The following is an entry in ClinVar:

ClinVar aggregate classification (germline): Conflicting classifications of pathogenicity. Review status: criteria provided, conflicting classifications (1 of 4 stars). 6 submissions from 6 submitters: Likely pathogenic (4); Uncertain significance (2). Last evaluated 2025-07-24.

Conditions:
Hereditary cancer-predisposing syndrome. Also called: Neoplastic Syndromes, Hereditary; Hereditary Cancer Syndrome; Tumor predisposition; Hereditary neoplastic syndrome. Identifiers: Orphanet 140162, MedGen C0027672, MeSH D009386, MONDO:0015356.
Fanconi anemia complementation group J. Also called: BRIP1-Related Fanconi Anemia. Identifiers: Orphanet 84, MedGen C1836860, MONDO:0012187, OMIM 609054.
Familial cancer of breast. Also called: hereditary breast carcinoma; Hereditary breast cancer; BREAST CANCER, FAMILIAL. Identifiers: Orphanet 227535, MedGen C0346153, MONDO:0016419, OMIM 114480. Disease mechanism: loss of function.
BRIP1-related disorder. Also called: BRIP1-related condition; BRIP1-related disorders. Identifiers: MedGen CN239206.

Submissions (6):

GeneDx
Classification: Uncertain significance. Last evaluated: 2025-07-24. Review status: criteria provided, single submitter. Criteria: GeneDx Variant Classification Process June 2021. Collection method: clinical testing. Allele origin: germline. Affected: yes.
Comment: Frameshift variant predicted to result in abnormal protein length as the last 163 amino acid(s) are replaced with 3 different amino acid(s), although loss-of-function variants have not been reported downstream of this position in the protein; Not observed at significant frequency in large population cohorts (gnomAD); This variant is associated with the following publications: (PMID: 35264596, 36978154, 29922827, 36630951)

Ambry Genetics
Classification: Uncertain significance for Hereditary cancer-predisposing syndrome. Last evaluated: 2025-04-14. Review status: criteria provided, single submitter. Criteria: Ambry Variant Classification Scheme 2023. Collection method: clinical testing. Allele origin: germline.
Comment: The c.3260dupA variant, located in coding exon 19 of the BRIP1 gene, results from a duplication of A at nucleotide position 3260, causing a translational frameshift with a predicted alternate stop codon (p.N1087Kfs*4). This alteration occurs at the 3' terminus of theBRIP1 gene, is not expected to trigger nonsense-mediated mRNA decay, and only impacts the last 163 amino acids of the protein. The exact functional impact of these impacted amino acids is unknown. This variant has been detected in a cohort of 1663 Brazilian breast cancer patients (Guindalini RSC et al. Sci Rep, 2022 Mar;12:4190) and in Chinese patients with pancreatic and urothelial carcinoma (Jiang H et al. Mol Genet Genomic Med, 2023 Jul;11:e2170; Wu J et al. Cell Rep Med, 2023 Jan;4:100883). While the C-terminal region of the BRIP1 protein has been shown by structural, biochemical, and mutational analysis to be relevant for some aspects of BRIP1 protein function (Gong Z et al. Mol. Cell, 2010 Feb;37:438-46; Leung CC et al. J. Biol. Chem. 2011 Feb; 286(6):4292-301; Xie J et al. PLoS Genet. 2012 Jul; 8(7):e1002786), functional studies have shown that truncations in the 3' terminus of BRIP1 display normal function in response to intra-strand cross-linking agents (Calvo JA et al. Mol Cancer Res, 2021 Jun;19:1015-1025). In addition, 3' truncations in BRIP1 occurring upstream of this variant have been detected in the homozygous or compound heterozygous state in individuals with no reported features of BRIP1-related Fanconi Anemia (FA-J) (Ambry internal data). Based on the available evidence, the clinical significance of this variant remains unclear.

Blueprint Genetics
Classification: Likely pathogenic for BRIP1-related disorders. Last evaluated: 2024-03-28. Review status: criteria provided, single submitter. Criteria: ACMG Guidelines, 2015. Collection method: clinical testing. Allele origin: germline. Affected: yes. Observed: 1 variant allele.

Labcorp Genetics (formerly Invitae), Labcorp
Classification: Likely pathogenic for Familial cancer of breast; Fanconi anemia complementation group J. Last evaluated: 2023-11-02. Review status: criteria provided, single submitter. Criteria: Invitae Variant Classification Sherloc (09022015). Collection method: clinical testing. Allele origin: germline.
Comment: This sequence change creates a premature translational stop signal (p.Asn1087Lysfs*4) in the BRIP1 gene. While this is not anticipated to result in nonsense mediated decay, it is expected to disrupt the last 163 amino acid(s) of the BRIP1 protein. This variant is present in population databases (rs771654971, gnomAD 0.0009%). This variant has not been reported in the literature in individuals affected with BRIP1-related conditions. ClinVar contains an entry for this variant (Variation ID: 232062). This variant disrupts the TopBP1-binding region of the BRIP1 protein, which plays a critical role in RPA chromatin loading and the activation of the replication checkpoint in response to DNA damage (PMID: 20159562, 21127055). While functional studies have not been performed to directly test the effect of this variant on BRIP1 protein function, this suggests that disruption of this region of the protein is causative of disease. In summary, the currently available evidence indicates that the variant is pathogenic, but additional data are needed to prove that conclusively. Therefore, this variant has been classified as Likely Pathogenic.

Color Diagnostics, LLC DBA Color Health
Classification: Likely pathogenic for Hereditary cancer-predisposing syndrome. Last evaluated: 2023-04-06. Review status: criteria provided, single submitter. Criteria: ACMG Guidelines, 2015. Collection method: clinical testing. Allele origin: germline.
Comment: This variant inserts 1 nucleotide in exon 20 of the BRIP1 gene, creating a frameshift and premature translation stop signal in the last coding exon. This mutant transcript is predicted to escape nonsense-mediated decay and be expressed as a truncated protein. The truncated protein is expected to disrupt the TopBP1 binding domain (a.a. 1106-1178) and an acetylation site (p.Lys1249) in the C-terminus, which have been reported to play an important role in DNA replication-stress response and maintaining genomic stability (PMID: 20159562, 21127055, 22792074). To our knowledge, this variant has not been reported in individuals affected with hereditary cancer in the literature. This variant has been identified in 1/250902 chromosomes in the general population by the Genome Aggregation Database (gnomAD). Loss of BRIP1 function is a known mechanism of disease. Based on the available evidence, this variant is classified as Likely Pathogenic.

Mendelics
Classification: Likely pathogenic for Fanconi anemia, complementation group J. Last evaluated: 2018-07-02. Review status: criteria provided, single submitter. Criteria: Mendelics Assertion Criteria 2017. Collection method: clinical testing. Allele origin: unknown.

Literature cited by the submitters: PubMed 29922827 (cited by Ambry Genetics); PubMed 35264596 (cited by Ambry Genetics); PubMed 36630951 (cited by Ambry Genetics); PubMed 36978154 (cited by Ambry Genetics); PubMed 20159562 (cited by Labcorp Genetics (formerly Invitae), Labcorp and Color Diagnostics, LLC DBA Color Health); PubMed 21127055 (cited by Labcorp Genetics (formerly Invitae), Labcorp and Color Diagnostics, LLC DBA Color Health); PubMed 22792074 (cited by Color Diagnostics, LLC DBA Color Health).

NM_032043.3(BRIP1):c.3260dup (p.Asn1087fs)

Gene: BRIP1 (BRCA1 interacting DNA helicase 1; minus strand). Cytogenetic location: 17q23.2.
Variant type: Duplication.
Coding change: c.3260dup on transcript NM_032043.3 (MANE Select); coding-DNA position 3260, one base duplicated (A; older notation c.3260dupA).
Protein change: p.Asn1087fs; shifts the reading frame from asparagine 1087.
Molecular consequence: frameshift variant.
Genome position (GRCh38, 1-based): chr17:61,683,786, T duplicated on the plus strand (A on the coding strand, the reverse complement: BRIP1 is on the minus strand); the first of 6 consecutive T bases (chr17:61,683,786-61,683,791); duplicating any one gives the same sequence. VCF-style (leftmost placement, unchanged base first): chr17-61683785-A-AT. GRCh37 (hg19) VCF-style: chr17-59761146-A-AT.
Other names: c.3260dupA (NM_032043.2); short protein forms N1087fs.
Identifiers: ClinVar variation 232062 (VCV000232062.24), dbSNP rs771654971, ClinGen allele CA8690379.